The following is an entry in ClinVar:

NC_000022.11:g.40345699del

Gene: ADSL (adenylosuccinate lyase; plus strand). Cytogenetic location: 22q13.1.
Variant type: Deletion.
Genome position: GRCh38 VCF-style: chr22-40345697-CT-C. GRCh37 (hg19) VCF-style: chr22-40741701-CT-C.
Identifiers: ClinVar variation 1470986 (VCV001470986.7), dbSNP rs2146608197, ClinGen allele CA2573158333.

ClinVar aggregate classification (germline): Uncertain significance (1 of 4 stars; one submission).

Conditions:
Adenylosuccinate lyase deficiency (ADSLD). Also called: ADSL DEFICIENCY. Identifiers: Orphanet 46, MedGen C0268126, MONDO:0007068, OMIM 103050.

Submission:

Labcorp Genetics (formerly Invitae), Labcorp
Classification: Uncertain significance for Adenylosuccinate lyase deficiency. Last evaluated: 2022-02-05. Review status: criteria provided, single submitter. Criteria: Invitae Variant Classification Sherloc (09022015). Collection method: clinical testing. Allele origin: germline.
Comment: In summary, the available evidence is currently insufficient to determine the role of this variant in disease. Therefore, it has been classified as a Variant of Uncertain Significance. Experimental studies and prediction algorithms are not available or were not evaluated, and the functional significance of this variant is currently unknown. This variant has not been reported in the literature in individuals affected with ADSL-related conditions. This variant is not present in population databases (gnomAD no frequency). This variant occurs in a non-coding region of the ADSL gene. It does not change the encoded amino acid sequence of the ADSL protein.